The following is an entry in ClinVar:

NM_006904.7(PRKDC):c.7114C>T (p.Pro2372Ser)

Gene: PRKDC (protein kinase, DNA-activated, catalytic subunit; minus strand). Cytogenetic location: 8q11.21.
Variant type: single nucleotide variant.
Coding change: c.7114C>T on transcript NM_006904.7 (MANE Select); coding-DNA position 7114, C replaced by T.
Protein change: p.Pro2372Ser; replaces proline 2372 with serine.
Molecular consequence: missense variant.
Genome position (GRCh38, 1-based): chr8:47,849,395, G>A on the plus strand (C>T on the coding strand, the complement: PRKDC is on the minus strand). VCF-style: chr8-47849395-G-A. GRCh37 (hg19) VCF-style: chr8-48761956-G-A.
Other names: c.7114C>T, p.Pro2372Ser (NM_001081640.2); short protein forms P2372S.
Identifiers: ClinVar variation 392579 (VCV000392579.2), dbSNP rs748925420, ClinGen allele CA4740179.

ClinVar aggregate classification (germline): Uncertain significance (1 of 4 stars; one submission).

Allele frequency attached by ClinVar (database versions not stated): ExAC 0.00001; gnomAD exomes below 0.00001.
gnomAD v4.1: 1 of 1,613,964 alleles (0.000062%); highest among the groups gnomAD compares: South Asian, 0.0011%; no homozygotes.

Submission:

GeneDx
Classification: Uncertain significance. Last evaluated: 2017-01-04. Review status: criteria provided, single submitter. Criteria: GeneDx Variant Classification (06012015). Collection method: clinical testing. Allele origin: germline. Affected: yes.
Comment: The P2372S variant in the PRKDC gene has not been published as a pathogenic variant, nor has it been reported as a benign variant to our knowledge. The variant was not observed at any significant frequency in approximately 6,500 individuals of European and African American ancestry in the NHLBI Exome Sequencing Project, indicating it is not a common benign variant in these populations. P2372S is a non-conservative amino acid substitution, which is likely to impact secondary protein structure as these residues differ in polarity, charge, size and/or other properties. This substitution occurs at a position that is conserved across species, and in silico analysis predicts this variant is probably damaging to the protein structure/function. Therefore, based on the currently available information, it is unclear whether this variant is a pathogenic variant or a rare benign variant.